The following is an entry in ClinVar:

ClinVar aggregate classification (germline): Uncertain significance (1 of 4 stars; one submission).

Conditions:
IFT172-related disorder. Also called: IFT172-related condition; IFT172-related disorders.

Submission:

PreventionGenetics, part of Exact Sciences
Classification: Uncertain significance for IFT172-related condition. Last evaluated: 2024-12-03. Review status: criteria provided, single submitter. Criteria: ACMG Guidelines, 2015. Collection method: clinical testing. Allele origin: germline.
Comment: The IFT172 c.56T>G variant is predicted to result in the amino acid substitution p.Val19Gly. To our knowledge, this variant has not been reported in the literature or in a large population database (gnomAD), indicating this variant is rare. At this time, the clinical significance of this variant is uncertain due to the absence of conclusive functional and genetic evidence.

NM_015662.3(IFT172):c.56T>G (p.Val19Gly)

Gene: IFT172 (intraflagellar transport 172; minus strand). Cytogenetic location: 2p23.3.
Variant type: single nucleotide variant.
Coding change: c.56T>G on transcript NM_015662.3 (MANE Select); coding-DNA position 56, T replaced by G.
Protein change: p.Val19Gly; replaces valine 19 with glycine.
Molecular consequence: missense variant.
Genome position (GRCh38, 1-based): chr2:27,485,487, A>C on the plus strand (T>G on the coding strand, the complement: IFT172 is on the minus strand). VCF-style: chr2-27485487-A-C. GRCh37 (hg19) VCF-style: chr2-27708354-A-C.
Other names: c.56T>G, p.Val19Gly (NM_001410739.1); short protein forms V19G.
Identifiers: ClinVar variation 4980149 (VCV004980149.1).